The following is an entry in ClinVar:

ClinVar aggregate classification (germline): Uncertain significance (1 of 4 stars; one submission).

Submission:

GeneDx
Classification: Uncertain significance. Last evaluated: 2024-01-16. Review status: criteria provided, single submitter. Criteria: GeneDx Variant Classification Process June 2021. Collection method: clinical testing. Allele origin: germline. Affected: yes.
Comment: Not observed at significant frequency in large population cohorts (gnomAD); Missense variants in this gene are a common cause of disease and they are underrepresented in the general population; In silico analysis supports that this missense variant does not alter protein structure/function; Has not been previously published as pathogenic or benign to our knowledge; This variant is associated with the following publications: (PMID: 29493581)

NM_005633.4(SOS1):c.1222T>C (p.Tyr408His)

Gene: SOS1 (SOS Ras/Rac guanine nucleotide exchange factor 1; minus strand). Cytogenetic location: 2p22.1.
Variant type: single nucleotide variant.
Coding change: c.1222T>C on transcript NM_005633.4 (MANE Select); coding-DNA position 1222, T replaced by C.
Protein change: p.Tyr408His; replaces tyrosine 408 with histidine.
Molecular consequence: missense variant.
Genome position (GRCh38, 1-based): chr2:39,023,206, A>G on the plus strand (T>C on the coding strand, the complement: SOS1 is on the minus strand). VCF-style: chr2-39023206-A-G. GRCh37 (hg19) VCF-style: chr2-39250347-A-G.
Other names: c.1201T>C, p.Tyr401His (NM_001382394.1); c.1222T>C, p.Tyr408His (NM_001382395.1); short protein forms Y401H, Y408H.
Identifiers: ClinVar variation 3367735 (VCV003367735.1).